The following is an entry in ClinVar:

NM_001447.3(FAT2):c.9605G>A (p.Gly3202Asp)

Genes: FAT2 (FAT atypical cadherin 2; minus strand), SLC36A1 (solute carrier family 36 member 1; plus strand). Cytogenetic location: 5q33.1.
Variant type: single nucleotide variant.
Coding change: c.9605G>A on transcript NM_001447.3 (MANE Select); coding-DNA position 9605, G replaced by A.
Protein change: p.Gly3202Asp; replaces glycine 3202 with aspartic acid.
Molecular consequence: missense variant.
Genome position (GRCh38, 1-based): chr5:151,531,793, C>T on the plus strand (G>A on the coding strand, the complement: FAT2 is on the minus strand). VCF-style: chr5-151531793-C-T. GRCh37 (hg19) VCF-style: chr5-150911354-C-T.
Other names: c.9605G>A (NM_001447.2); short protein forms G3202D.
Identifiers: ClinVar variation 2882932 (VCV002882932.4), dbSNP rs767876381, ClinGen allele CA3520503.

ClinVar aggregate classification (germline): Uncertain significance. Review status: criteria provided, multiple submitters, no conflicts (2 of 4 stars). 2 submissions from 2 submitters: Uncertain significance (2). Last evaluated 2025-09-14.

Allele frequency attached by ClinVar (database versions not stated): ExAC 0.00011; gnomAD exomes 0.00003; TOPMed 0.00010; gnomAD 0.00002.
gnomAD v4.1: 25 of 1,612,814 alleles (0.0016%); highest among the groups gnomAD compares: Admixed American, 0.032%; 1 homozygote.

Submissions (2):

Labcorp Genetics (formerly Invitae), Labcorp
Classification: Uncertain significance. Last evaluated: 2025-09-14. Review status: criteria provided, single submitter. Criteria: Invitae Variant Classification Sherloc (09022015). Collection method: clinical testing. Allele origin: germline.
Comment: This sequence change replaces glycine, which is neutral and non-polar, with aspartic acid, which is acidic and polar, at codon 3202 of the FAT2 protein (p.Gly3202Asp). This variant is present in population databases (rs767876381, gnomAD 0.04%). This variant has not been reported in the literature in individuals affected with FAT2-related conditions. ClinVar contains an entry for this variant (Variation ID: 2882932). Invitae Evidence Modeling of protein sequence and biophysical properties (such as structural, functional, and spatial information, amino acid conservation, physicochemical variation, residue mobility, and thermodynamic stability) indicates that this missense variant is expected to disrupt FAT2 protein function with a positive predictive value of 80%. In summary, the available evidence is currently insufficient to determine the role of this variant in disease. Therefore, it has been classified as a Variant of Uncertain Significance.

Ambry Genetics
Classification: Uncertain significance. Last evaluated: 2024-01-02. Review status: criteria provided, single submitter. Criteria: Ambry Variant Classification Scheme 2023. Collection method: clinical testing. Allele origin: germline.